The following is an entry in ClinVar:

NM_014946.4(SPAST):c.1413+1G>A

Gene: SPAST (spastin; plus strand). Cytogenetic location: 2p22.3.
Variant type: single nucleotide variant.
Coding change: c.1413+1G>A on transcript NM_014946.4 (MANE Select); the canonical splice donor site of the intron after coding-DNA position 1413, G replaced by A.
Molecular consequence: splice donor variant.
Genome position (GRCh38, 1-based): chr2:32,136,969, G>A. VCF-style: chr2-32136969-G-A. GRCh37 (hg19) VCF-style: chr2-32362038-G-A.
Other names: c.1317+1G>A (NM_199436.2, NM_001377959.1); c.1410+1G>A (NM_001363823.2); c.1314+1G>A (NM_001363875.2).
Identifiers: ClinVar variation 805511 (VCV000805511.67), dbSNP rs1553318276, ClinGen allele CA346502367.

ClinVar aggregate classification (germline): Pathogenic. Review status: criteria provided, multiple submitters, no conflicts (2 of 4 stars). 7 submissions from 7 submitters: Pathogenic (7). Last evaluated 2025-10-01.

Conditions:
Hereditary spastic paraplegia 4. Also called: Familial spastic paraplegia autosomal dominant 2; Spastic paraplegia 4, autosomal dominant; Spastic Paraplegia 4. Identifiers: Orphanet 100985, MedGen C1866855, MONDO:0008438, OMIM 182601.
Tip-toe gait. Also called: Toe walking. Identifiers: MedGen C0427144, HP:0030051.

Submissions (7):

Labcorp Genetics (formerly Invitae), Labcorp
Classification: Pathogenic for Hereditary spastic paraplegia 4. Last evaluated: 2025-10-01. Review status: criteria provided, single submitter. Criteria: Invitae Variant Classification Sherloc (09022015). Collection method: clinical testing. Allele origin: germline.
Comment: This sequence change affects a donor splice site in intron 11 of the SPAST gene. It is expected to disrupt RNA splicing. Variants that disrupt the donor or acceptor splice site typically lead to a loss of protein function (PMID: 16199547), and loss-of-function variants in SPAST are known to be pathogenic (PMID: 20932283). This variant is not present in population databases (gnomAD no frequency). Disruption of this splice site has been observed in individuals with autosomal dominant spastic paraplegia (PMID: 15841487, 31227335, 31630374). ClinVar contains an entry for this variant (Variation ID: 805511). Algorithms developed to predict the effect of sequence changes on RNA splicing suggest that this variant may disrupt the consensus splice site. For these reasons, this variant has been classified as Pathogenic.

GeneDx
Classification: Pathogenic. Last evaluated: 2024-12-06. Review status: criteria provided, single submitter. Criteria: GeneDx Variant Classification Process June 2021. Collection method: clinical testing. Allele origin: germline. Affected: yes.
Comment: Identified in patients with HSP in published literature (PMID: 31630374, 31227335); Canonical splice site variant predicted to result in a null allele in a gene for which loss of function is a known mechanism of disease; Not observed at significant frequency in large population cohorts (gnomAD); This variant is associated with the following publications: (PMID: 25525159, 29980238, 15841487, 31630374, 31227335)

Neurometabolic Diseases Laboratory, Bellvitge Biomedical Research Institute (IDIBELL)
Classification: Pathogenic for Hereditary spastic paraplegia 4. Last evaluated: 2023-04-27. Review status: criteria provided, single submitter. Criteria: ACMG Guidelines, 2015. Collection method: research. Allele origin: germline. Affected: yes.

Victorian Clinical Genetics Services, Murdoch Childrens Research Institute
Classification: Pathogenic for Hereditary spastic paraplegia 4. Last evaluated: 2022-03-31. Review status: criteria provided, single submitter. Criteria: ACMG Guidelines, 2015. Collection method: clinical testing. Allele origin: germline. Inheritance: Autosomal dominant inheritance.
Comment: Based on the classification scheme VCGS_Germline_v1.3.4, this variant is classified as Pathogenic. Following criteria are met: 0103 - Dominant Negative and loss-of-function are known mechanisms of disease for this gene and are associated with spastic paraplegia 4 (MIM#182601). Multiple loss of function variants have been reported, while a dominant negative mechanism has been stipulated for a small number of missense variants (ClinVar; PMID: 30006150). (I) 0107 - This gene is associated with autosomal dominant disease. (I) 0112 - The condition associated with this gene has incomplete penetrance, but this is age-dependant and only a small proportion of individuals remain asymptomatic (PMID: 30476002). (I) 0115 - Variants in this gene are known to have variable expressivity, with variable age of onset and disease severity (PMID: 30476002). (I) 0211 - Canonical splice site variant without proven consequence on splicing (no functional evidence available). (SP) 0251 - This variant is heterozygous. (I) 0301 - Variant is absent from gnomAD (both v2 and v3). (SP) 0505 - Abnormal splicing is predicted by in silico tools and affected nucleotide is highly conserved. (SP) 0701 - Other canonical and non-canonical splice site variants comparable to the one identified in this case have very strong previous evidence for pathogenicity. The c.1413+2T>G, c.1413+2T>A, c.1413+4A>G and c.1413+5G>A splice site variants have been reported in individuals or families with hereditary spastic paraplegia (HSP) (PMIDs: 22960362, 24033003, 26208798, 27688599). (SP) 0801 - This variant has strong previous evidence of pathogenicity in unrelated individuals. This variant has been classified as pathogenic by multiple clinical diagnostic laboratories and has been identified in two individuals with HSP (ClinVar, PMIDs: 15841487, 25341883). (SP) 0905 - No published segregation evidence has been identified for this variant. (I) 1007 - No published functional evidence has been identified for this variant. (I) 1208 - Inheritance information for this variant is not currently available in this individual. (I) Legend: (SP) - Supporting pathogenic, (I) - Information, (SB) - Supporting benign

Practice for Gait Abnormalities, David Pomarino, Competency Network Toe Walking C/o Practice Pomarino
Classification: Pathogenic for Tip-toe gait. Last evaluated: 2021-06-28. Review status: criteria provided, single submitter. Criteria: ACMG Guidelines, 2015. Collection method: clinical testing. Allele origin: maternal. Affected: yes.
Comment: Gait disorder

CeGaT Center for Human Genetics Tuebingen
Classification: Pathogenic. Last evaluated: 2021-06-01. Review status: criteria provided, single submitter. Criteria: CeGaT Center For Human Genetics Tuebingen Variant Classification Criteria Version 2. Collection method: clinical testing. Allele origin: germline. Affected: yes. Observed: 1 variant allele.

Athena Diagnostics
Classification: Pathogenic. Last evaluated: 2019-02-25. Review status: criteria provided, single submitter. Criteria: Athena Diagnostics Criteria. Collection method: clinical testing. Allele origin: germline.
Comment: The variant disrupts a canonical splice site, and is therefore predicted to result in the loss of a functional protein. Found in at least one symptomatic patient, and not found in general population data.

Literature cited by the submitters: PubMed 16199547 (cited by Labcorp Genetics (formerly Invitae), Labcorp); PubMed 20932283 (cited by Labcorp Genetics (formerly Invitae), Labcorp); PubMed 15841487 (cited by 3 submitters); PubMed 31227335 (cited by Labcorp Genetics (formerly Invitae), Labcorp); PubMed 31630374 (cited by Labcorp Genetics (formerly Invitae), Labcorp); PubMed 22960362 (cited by Victorian Clinical Genetics Services, Murdoch Childrens Research Institute); PubMed 24033003 (cited by Victorian Clinical Genetics Services, Murdoch Childrens Research Institute); PubMed 25341883 (cited by Victorian Clinical Genetics Services, Murdoch Childrens Research Institute); PubMed 26208798 (cited by Victorian Clinical Genetics Services, Murdoch Childrens Research Institute); PubMed 27688599 (cited by Victorian Clinical Genetics Services, Murdoch Childrens Research Institute); PubMed 30006150 (cited by Victorian Clinical Genetics Services, Murdoch Childrens Research Institute); PubMed 30476002 (cited by Victorian Clinical Genetics Services, Murdoch Childrens Research Institute); PubMed 37091313 (cited by Practice for Gait Abnormalities, David Pomarino, Competency Network Toe Walking C/o Practice Pomarino).